The following is an entry in ClinVar:

ClinVar aggregate classification (germline): Likely benign (1 of 4 stars; one submission).

Conditions:
TUBA4A-related disorder. Also called: TUBA4A-related condition.

Submission:

PreventionGenetics, part of Exact Sciences
Classification: Likely benign for TUBA4A-related condition. Last evaluated: 2025-02-13. Review status: criteria provided, single submitter. Criteria: ACMG Guidelines, 2015. Collection method: clinical testing. Allele origin: germline.
Comment: This variant is classified as likely benign based on ACMG/AMP sequence variant interpretation guidelines (Richards et al. 2015 PMID: 25741868, with internal and published modifications).

NM_006000.3(TUBA4A):c.882C>G (p.Ala294=)

Gene: TUBA4A (tubulin alpha 4a; minus strand). Cytogenetic location: 2q35.
Variant type: single nucleotide variant.
Coding change: c.882C>G on transcript NM_006000.3 (MANE Select); coding-DNA position 882, C replaced by G.
Protein change: p.Ala294=; no amino-acid change (alanine 294 retained).
Molecular consequence: synonymous variant.
Genome position (GRCh38, 1-based): chr2:219,250,817, G>C on the plus strand (C>G on the coding strand, the complement: TUBA4A is on the minus strand). VCF-style: chr2-219250817-G-C. GRCh37 (hg19) VCF-style: chr2-220115539-G-C.
Other names: c.837C>G, p.Ala279= (NM_001278552.2).
Identifiers: ClinVar variation 4990271 (VCV004990271.1).